The following is an entry in ClinVar:

ClinVar aggregate classification (germline): Uncertain significance. Review status: criteria provided, multiple submitters, no conflicts (2 of 4 stars). 3 submissions from 3 submitters: Uncertain significance (3). Last evaluated 2024-10-20.

Conditions:
Hereditary cancer-predisposing syndrome. Also called: Hereditary Cancer Syndrome; Neoplastic Syndromes, Hereditary; Tumor predisposition; Hereditary neoplastic syndrome. Identifiers: Orphanet 140162, MedGen C0027672, MeSH D009386, MONDO:0015356.
Hereditary breast ovarian cancer syndrome. Also called: Breast and ovarian cancer; Hereditary breast and ovarian cancer; Hereditary breast and/or ovarian cancer syndrome; BRCA1- and BRCA2-Associated Hereditary Breast and Ovarian Cancer; Hereditary breast and ovarian cancer syndrome (HBOC); Hereditary breast and ovarian cancer syndrome. Identifiers: Orphanet 145, MedGen C0677776, MeSH D061325, MONDO:0003582. Disease mechanism: loss of function.

Submissions (3):

Labcorp Genetics (formerly Invitae), Labcorp
Classification: Uncertain significance for Hereditary breast ovarian cancer syndrome. Last evaluated: 2024-10-20. Review status: criteria provided, single submitter. Criteria: Invitae Variant Classification Sherloc (09022015). Collection method: clinical testing. Allele origin: germline.
Comment: This sequence change replaces serine, which is neutral and polar, with cysteine, which is neutral and slightly polar, at codon 163 of the BRCA2 protein (p.Ser163Cys). This variant is not present in population databases (gnomAD no frequency). This variant has not been reported in the literature in individuals affected with BRCA2-related conditions. ClinVar contains an entry for this variant (Variation ID: 1743759). Invitae Evidence Modeling of protein sequence and biophysical properties (such as structural, functional, and spatial information, amino acid conservation, physicochemical variation, residue mobility, and thermodynamic stability) indicates that this missense variant is not expected to disrupt BRCA2 protein function with a negative predictive value of 95%. RNA analysis performed to evaluate the impact of this missense change on mRNA splicing indicates it does not significantly alter splicing (internal data). In summary, the available evidence is currently insufficient to determine the role of this variant in disease. Therefore, it has been classified as a Variant of Uncertain Significance.

Quest Diagnostics Nichols Institute San Juan Capistrano
Classification: Uncertain significance. Last evaluated: 2023-06-19. Review status: criteria provided, single submitter. Criteria: Quest Diagnostics criteria. Collection method: clinical testing. Allele origin: unknown.
Comment: This variant has not been reported in the published literature. It also has not been reported in large, multi-ethnic general populations (Genome Aggregation Database). Analysis of this variant using bioinformatics tools for the prediction of the effect of amino acid changes on protein structure and function yielded conflicting predictions that this variant is benign or damaging. Based on the available information, we are unable to determine the clinical significance of this variant.

Ambry Genetics
Classification: Uncertain significance for Hereditary cancer-predisposing syndrome. Last evaluated: 2021-11-18. Review status: criteria provided, single submitter. Criteria: Ambry Variant Classification Scheme 2023. Collection method: clinical testing. Allele origin: germline.
Comment: The p.S163C variant (also known as c.487A>T), located in coding exon 5 of the BRCA2 gene, results from an A to T substitution at nucleotide position 487. The serine at codon 163 is replaced by cysteine, an amino acid with dissimilar properties. This amino acid position is well conserved in available vertebrate species. In addition, this alteration is predicted to be tolerated by in silico analysis. Since supporting evidence is limited at this time, the clinical significance of this alteration remains unclear.

NM_000059.4(BRCA2):c.487A>T (p.Ser163Cys)

Gene: BRCA2 (BRCA2 DNA repair associated; plus strand). Cytogenetic location: 13q13.1.
Variant type: single nucleotide variant.
Coding change: c.487A>T on transcript NM_000059.4 (MANE Select); coding-DNA position 487, A replaced by T.
Protein change: p.Ser163Cys; replaces serine 163 with cysteine.
Molecular consequence: missense variant.
Genome position (GRCh38, 1-based): chr13:32,326,253, A>T. VCF-style: chr13-32326253-A-T. GRCh37 (hg19) VCF-style: chr13-32900390-A-T.
Other names: c.487A>T, p.Ser163Cys (NM_001406719.1, NM_001406720.1, NM_001406721.1); c.118A>T, p.Ser40Cys (NM_001406722.1); short protein forms S163C, S40C.
Identifiers: ClinVar variation 1743759 (VCV001743759.5), dbSNP rs767985386, ClinGen allele CA387757645.